The following is an entry in ClinVar:

NM_012281.3(KCND2):c.689T>C (p.Phe230Ser)

Gene: KCND2 (potassium voltage-gated channel subfamily D member 2; plus strand). Cytogenetic location: 7q31.31.
Variant type: single nucleotide variant.
Coding change: c.689T>C on transcript NM_012281.3 (MANE Select); coding-DNA position 689, T replaced by C.
Protein change: p.Phe230Ser; replaces phenylalanine 230 with serine.
Molecular consequence: missense variant.
Genome position (GRCh38, 1-based): chr7:120,275,321, T>C. VCF-style: chr7-120275321-T-C. GRCh37 (hg19) VCF-style: chr7-119915375-T-C.
Other names: short protein forms F230S.
Identifiers: ClinVar variation 2853895 (VCV002853895.3), dbSNP rs2546907457, ClinGen allele CA369132169.

ClinVar aggregate classification (germline): Uncertain significance (1 of 4 stars; one submission).

Conditions:
Early Myoclonic Encephalopathy. Identifiers: MedGen C0270855.

Allele frequency attached by ClinVar (database versions not stated): gnomAD exomes below 0.00001.
gnomAD v4.1: 1 of 1,613,766 alleles (0.000062%); highest among the groups gnomAD compares: Non-Finnish European, 0.000085%; no homozygotes.

Submission:

Labcorp Genetics (formerly Invitae), Labcorp
Classification: Uncertain significance for Early Myoclonic Encephalopathy. Last evaluated: 2023-01-06. Review status: criteria provided, single submitter. Criteria: Invitae Variant Classification Sherloc (09022015). Collection method: clinical testing. Allele origin: germline.
Comment: This variant has not been reported in the literature in individuals affected with KCND2-related conditions. This variant is not present in population databases (gnomAD no frequency). This sequence change replaces phenylalanine, which is neutral and non-polar, with serine, which is neutral and polar, at codon 230 of the KCND2 protein (p.Phe230Ser). Advanced modeling of protein sequence and biophysical properties (such as structural, functional, and spatial information, amino acid conservation, physicochemical variation, residue mobility, and thermodynamic stability) performed at Invitae indicates that this missense variant is not expected to disrupt KCND2 protein function. In summary, the available evidence is currently insufficient to determine the role of this variant in disease. Therefore, it has been classified as a Variant of Uncertain Significance.